The following is an entry in ClinVar:

NM_198525.3(KIF7):c.2776C>T (p.Arg926Trp)

Gene: KIF7 (kinesin family member 7; minus strand). Cytogenetic location: 15q26.1.
Variant type: single nucleotide variant.
Coding change: c.2776C>T on transcript NM_198525.3 (MANE Select); coding-DNA position 2776, C replaced by T.
Protein change: p.Arg926Trp; replaces arginine 926 with tryptophan.
Molecular consequence: missense variant.
Genome position (GRCh38, 1-based): chr15:89,632,939, G>A on the plus strand (C>T on the coding strand, the complement: KIF7 is on the minus strand). VCF-style: chr15-89632939-G-A. GRCh37 (hg19) VCF-style: chr15-90176170-G-A.
Other names: short protein forms R926W.
Identifiers: ClinVar variation 888419 (VCV000888419.7), dbSNP rs147407072, ClinGen allele CA7727950.

ClinVar aggregate classification (germline): Uncertain significance. Review status: criteria provided, multiple submitters, no conflicts (2 of 4 stars). 3 submissions from 3 submitters: Uncertain significance (3). Last evaluated 2022-11-06.

Conditions:
Acrocallosal syndrome (ACLS). Also called: HALLUX DUPLICATION, POSTAXIAL POLYDACTYLY, AND ABSENCE OF CORPUS CALLOSUM; Schinzel syndrome 1; Absence of corpus callosum with unusual facial appearance, mental deficiency, duplication of the halluces and polydactyly. Identifiers: Orphanet 36, MedGen C0796147, MONDO:0008708, OMIM 200990.

Allele frequency attached by ClinVar (database versions not stated): TOPMed 0.00005; ESP Exome Variant Server 0.00008.
gnomAD v4.1: 83 of 1,558,556 alleles (0.0053%); highest among the groups gnomAD compares: East Asian, 0.007%; no homozygotes.

Submissions (3):

Blueprint Genetics
Classification: Uncertain significance. Last evaluated: 2022-11-06. Review status: criteria provided, single submitter. Criteria: ACMG Guidelines, 2015. Collection method: clinical testing. Allele origin: germline.

Labcorp Genetics (formerly Invitae), Labcorp
Classification: Uncertain significance for Acrocallosal syndrome. Last evaluated: 2022-10-17. Review status: criteria provided, single submitter. Criteria: Invitae Variant Classification Sherloc (09022015). Collection method: clinical testing. Allele origin: germline.
Comment: This sequence change replaces arginine, which is basic and polar, with tryptophan, which is neutral and slightly polar, at codon 926 of the KIF7 protein (p.Arg926Trp). This variant is present in population databases (rs147407072, gnomAD 0.005%). This variant has not been reported in the literature in individuals affected with KIF7-related conditions. ClinVar contains an entry for this variant (Variation ID: 888419). Advanced modeling of protein sequence and biophysical properties (such as structural, functional, and spatial information, amino acid conservation, physicochemical variation, residue mobility, and thermodynamic stability) performed at Invitae indicates that this missense variant is expected to disrupt KIF7 protein function. In summary, the available evidence is currently insufficient to determine the role of this variant in disease. Therefore, it has been classified as a Variant of Uncertain Significance.

Illumina Laboratory Services, Illumina
Classification: Uncertain significance for Acrocallosal syndrome. Last evaluated: 2018-01-13. Review status: criteria provided, single submitter. Criteria: ICSL Variant Classification Criteria 13 December 2019. Collection method: clinical testing. Allele origin: germline.